The following is an entry in ClinVar:

NM_000057.4(BLM):c.1762A>G (p.Lys588Glu)

Gene: BLM (BLM RecQ like helicase; plus strand). Cytogenetic location: 15q26.1.
Variant type: single nucleotide variant.
Coding change: c.1762A>G on transcript NM_000057.4 (MANE Select); coding-DNA position 1762, A replaced by G.
Protein change: p.Lys588Glu; replaces lysine 588 with glutamic acid.
Molecular consequence: missense variant.
Genome position (GRCh38, 1-based): chr15:90,761,135, A>G. VCF-style: chr15-90761135-A-G. GRCh37 (hg19) VCF-style: chr15-91304365-A-G.
Other names: c.1762A>G, p.Lys588Glu (NM_001287246.2, NM_001287247.2); c.637A>G, p.Lys213Glu (NM_001287248.2); short protein forms K213E, K588E.
Identifiers: ClinVar variation 4063881 (VCV004063881.2).

ClinVar aggregate classification (germline): Uncertain significance. Review status: criteria provided, single submitter (1 of 4 stars). 2 submissions from 2 submitters: Uncertain significance (1). 1 of the submissions does not count toward it. Last evaluated 2025-12-09.

Conditions:
Bloom syndrome (BLM). Also called: Bloom-Torre-Machacek syndrome. Identifiers: Orphanet 125, MedGen C0005859, MONDO:0008876, OMIM 210900.

Submissions (2):

Labcorp Genetics (formerly Invitae), Labcorp
Classification: Uncertain significance for Bloom syndrome. Last evaluated: 2025-12-09. Review status: criteria provided, single submitter. Criteria: Invitae Variant Classification Sherloc (09022015). Collection method: clinical testing. Allele origin: germline.
Comment: This sequence change replaces lysine, which is basic and polar, with glutamic acid, which is acidic and polar, at codon 588 of the BLM protein (p.Lys588Glu). This variant is not present in population databases (gnomAD no frequency). This variant has not been reported in the literature in individuals affected with BLM-related conditions. ClinVar contains an entry for this variant (Variation ID: 4063881). Invitae Evidence Modeling of protein sequence and biophysical properties (such as structural, functional, and spatial information, amino acid conservation, physicochemical variation, residue mobility, and thermodynamic stability) indicates that this missense variant is not expected to disrupt BLM protein function with a negative predictive value of 80%. In summary, the available evidence is currently insufficient to determine the role of this variant in disease. Therefore, it has been classified as a Variant of Uncertain Significance.

Natera, Inc.
Classification: Uncertain significance for Bloom syndrome. Last evaluated: 2025-03-24. Review status: no assertion criteria provided. Collection method: clinical testing. Allele origin: germline. Not counted in ClinVar's aggregate classification.